The following is an entry in ClinVar:

NM_001267550.2(TTN):c.58692T>G (p.Asp19564Glu)

Genes: TTN (titin; minus strand), TTN-AS1 (TTN antisense RNA 1; plus strand). Cytogenetic location: 2q31.2.
Variant type: single nucleotide variant.
Coding change: c.58692T>G on transcript NM_001267550.2 (MANE Select); coding-DNA position 58692, T replaced by G.
Protein change: p.Asp19564Glu; replaces aspartic acid 19564 with glutamic acid.
Molecular consequence: missense variant.
Genome position (GRCh38, 1-based): chr2:178,593,608, A>C on the plus strand (T>G on the coding strand, the complement: TTN is on the minus strand). VCF-style: chr2-178593608-A-C. GRCh37 (hg19) VCF-style: chr2-179458335-A-C.
Other names: c.53769T>G, p.Asp17923Glu (NM_001256850.1); c.31497T>G, p.Asp10499Glu (NM_003319.4); c.50988T>G, p.Asp16996Glu (NM_133378.4); c.31872T>G, p.Asp10624Glu (NM_133432.3); c.32073T>G, p.Asp10691Glu (NM_133437.4); c.58692T>G (NM_001267550.1); short protein forms D16996E, D19564E, D10624E, D10499E, D10691E, D17923E.
Identifiers: ClinVar variation 595392 (VCV000595392.6), dbSNP rs1236959839, ClinGen allele CA349502954.

ClinVar aggregate classification (germline): Uncertain significance. Review status: criteria provided, multiple submitters, no conflicts (2 of 4 stars). 2 submissions from 2 submitters: Uncertain significance (2). Last evaluated 2023-12-26.

Allele frequency attached by ClinVar (database versions not stated): gnomAD 0.00001 and 0.00003; gnomAD exomes 0.00001.
gnomAD v4.1: 6 of 1,612,756 alleles (0.00037%); highest among the groups gnomAD compares: East Asian, 0.0045%; no homozygotes.

Submissions (2):

GeneDx
Classification: Uncertain significance. Last evaluated: 2023-12-26. Review status: criteria provided, single submitter. Criteria: GeneDx Variant Classification Process June 2021. Collection method: clinical testing. Allele origin: germline. Affected: yes.
Comment: Not observed at significant frequency in large population cohorts (gnomAD); Has not been previously published as pathogenic or benign to our knowledge; In silico analysis suggests this variant may impact gene splicing. In the absence of RNA/functional studies, the actual effect of this sequence change is unknown.

Eurofins Ntd Llc (ga)
Classification: Uncertain significance. Last evaluated: 2017-12-14. Review status: criteria provided, single submitter. Criteria: EGL Classification Definitions 2015. Collection method: clinical testing. Allele origin: germline. Observed: 1 variant allele, 1 heterozygote.